The following is an entry in ClinVar:

NM_000138.5(FBN1):c.3605_3606delinsTT (p.Ser1202Ile)

Gene: FBN1 (fibrillin 1; minus strand). Cytogenetic location: 15q21.1.
Variant type: Indel.
Coding change: c.3605_3606delinsTT on transcript NM_000138.5 (MANE Select); coding-DNA positions 3605 to 3606, GC replaced by TT.
Protein change: p.Ser1202Ile; replaces serine 1202 with isoleucine.
Molecular consequence: missense variant.
Genome position (GRCh38, 1-based): chr15:48,485,480-48,485,481, GC replaced by AA on the plus strand (GC replaced by TT on the coding strand, the reverse complement: FBN1 is on the minus strand). VCF-style: chr15-48485480-GC-AA. GRCh37 (hg19) VCF-style: chr15-48777677-GC-AA.
Other names: short protein forms S1202I.
Identifiers: ClinVar variation 919912 (VCV000919912.9), dbSNP rs2043498514, ClinGen allele CA913188649.

ClinVar aggregate classification (germline): Uncertain significance. Review status: criteria provided, multiple submitters, no conflicts (2 of 4 stars). 3 submissions from 3 submitters: Uncertain significance (3). Last evaluated 2025-11-03.

Conditions:
Familial thoracic aortic aneurysm and aortic dissection (TAAD). Also called: Thoracic aortic aneurysms and dissections. Identifiers: Orphanet 91387, MedGen C4707243, MONDO:0019625.
Marfan syndrome (MFS). Also called: Marfan syndrome, classic; Marfan syndrome type 1; Marfan's syndrome; FBN1-Related Marfan Syndrome; MARFAN SYNDROME, TYPE I. Identifiers: Orphanet 284963, Orphanet 558, MedGen C0024796, MONDO:0007947, OMIM 154700.

Submissions (3):

Women's Health and Genetics/Laboratory Corporation of America, LabCorp
Classification: Uncertain significance. Last evaluated: 2025-11-03. Review status: criteria provided, single submitter. Criteria: LabCorp Variant Classification Summary - May 2015. Collection method: clinical testing. Allele origin: germline.
Comment: Variant summary: FBN1 c.3605_3606delinsTT (p.Ser1202Ile) results in a non-conservative amino acid change in the encoded protein sequence. Algorithms developed to predict the effect of missense changes on protein structure and function are either unavailable or do not agree on the potential impact of this missense change. The variant was absent in 251460 control chromosomes. The available data on variant occurrences in the general population are insufficient to allow any conclusion about variant significance. c.3605_3606delinsTT has been observed in one individual affected with Marfan Syndrome and was also present in the unaffected mom (Bai_2024). These report(s) do not provide unequivocal conclusions about association of the variant with Marfan Syndrome. Co-occurrences with other pathogenic variant(s) have been reported (FBN1 c.3464-5_3464-4delGAinsAG, probably Likely Pathogenic), providing supporting evidence for a benign role (Bai_2024). To our knowledge, no experimental evidence demonstrating an impact on protein function has been reported. The following publication has been ascertained in the context of this evaluation (PMID: 38773661). ClinVar contains an entry for this variant (Variation ID: 919912). Based on the evidence outlined above, the variant was classified as uncertain significance.

Labcorp Genetics (formerly Invitae), Labcorp
Classification: Uncertain significance for Marfan syndrome; Familial thoracic aortic aneurysm and aortic dissection. Last evaluated: 2024-03-09. Review status: criteria provided, single submitter. Criteria: Invitae Variant Classification Sherloc (09022015). Collection method: clinical testing. Allele origin: germline.
Comment: This sequence change replaces serine, which is neutral and polar, with isoleucine, which is neutral and non-polar, at codon 1202 of the FBN1 protein (p.Ser1202Ile). Information on the frequency of this variant in the gnomAD database is not available, as this variant may be reported differently in the database. This variant has not been reported in the literature in individuals affected with FBN1-related conditions. ClinVar contains an entry for this variant (Variation ID: 919912). An algorithm developed to predict the effect of missense changes on protein structure and function (PolyPhen-2) suggests that this variant is likely to be tolerated. In summary, the available evidence is currently insufficient to determine the role of this variant in disease. Therefore, it has been classified as a Variant of Uncertain Significance.

Color Diagnostics, LLC DBA Color Health
Classification: Uncertain significance for Familial thoracic aortic aneurysm and aortic dissection. Last evaluated: 2023-12-05. Review status: criteria provided, single submitter. Criteria: ACMG Guidelines, 2015. Collection method: clinical testing. Allele origin: germline.
Comment: This missense variant replaces serine with isoleucine at codon 1202 of the FBN1 protein. To our knowledge, functional studies have not been performed for this variant. This variant has not been reported in individuals affected with cardiovascular disorders in the literature. This variant has not been identified in the general population by the Genome Aggregation Database (gnomAD). The available evidence is insufficient to determine the role of this variant in disease conclusively. Therefore, this variant is classified as a Variant of Uncertain Significance.

Literature cited by the submitters: PubMed 38773661 (cited by Women's Health and Genetics/Laboratory Corporation of America, LabCorp).